The following is an entry in ClinVar:

ClinVar aggregate classification (germline): Benign/Likely benign. Review status: criteria provided, multiple submitters, no conflicts (2 of 4 stars). 5 submissions from 5 submitters: Benign (2); Likely benign (2). 1 of the submissions does not count toward it. Last evaluated 2026-09-01.

Conditions:
CLTC-related disorder. Also called: CLTC-related condition.

Allele frequency attached by ClinVar (database versions not stated): ExAC 0.00078; gnomAD exomes 0.00088 and 0.00140; gnomAD 0.00105 and 0.00108; ESP Exome Variant Server 0.00108; TOPMed 0.00120; 1000 Genomes Project 30x 0.00187; 1000 Genomes Project 0.00200.

Submissions (5):

CeGaT Center for Human Genetics Tuebingen
Classification: Likely benign. Last evaluated: 2026-09-01. Review status: criteria provided, single submitter. Criteria: CeGaT Center For Human Genetics Tuebingen Variant Classification Criteria Version 2. Collection method: clinical testing. Allele origin: germline. Affected: yes. Observed: 9 variant alleles.
Comment: CLTC: BP4, BP7

Labcorp Genetics (formerly Invitae), Labcorp
Classification: Benign. Last evaluated: 2026-02-02. Review status: criteria provided, single submitter. Criteria: Invitae Variant Classification Sherloc (09022015). Collection method: clinical testing. Allele origin: germline.

Blueprint Genetics
Classification: Likely benign. Last evaluated: 2024-11-06. Review status: criteria provided, single submitter. Criteria: ACMG Guidelines, 2015. Collection method: clinical testing. Allele origin: germline.

Breakthrough Genomics
Classification: Benign. Review status: criteria provided, single submitter. Criteria: ACMG Guidelines, 2015. Collection method: not provided. Allele origin: germline. Inheritance: Autosomal dominant inheritance. Affected: yes.

PreventionGenetics, part of Exact Sciences
Classification: Likely benign for CLTC-related condition. Last evaluated: 2019-08-07. Review status: no assertion criteria provided. Collection method: clinical testing. Allele origin: germline. Not counted in ClinVar's aggregate classification.
Comment: This variant is classified as likely benign based on ACMG/AMP sequence variant interpretation guidelines (Richards et al. 2015 PMID: 25741868, with internal and published modifications).

NM_004859.4(CLTC):c.87C>T (p.Thr29=)

Gene: CLTC (clathrin heavy chain; plus strand). Cytogenetic location: 17q23.1.
Variant type: single nucleotide variant.
Coding change: c.87C>T on transcript NM_004859.4 (MANE Select); coding-DNA position 87, C replaced by T.
Protein change: p.Thr29=; no amino-acid change (threonine 29 retained).
Molecular consequence: synonymous variant.
Genome position (GRCh38, 1-based): chr17:59,644,320, C>T. VCF-style: chr17-59644320-C-T. GRCh37 (hg19) VCF-style: chr17-57721681-C-T.
Other names: c.87C>T (NM_001288653.1); c.87C>T, p.Thr29= (NM_001288653.2).
Identifiers: ClinVar variation 1598933 (VCV001598933.42), dbSNP rs139085965, ClinGen allele CA8680981.
Genomic context (GRCh38, chr17:59,644,320, plus strand): 5'-TTATTATTTTTTCTAGCTCCAGAACCTGGGTATCAACCCAGCAAACATTGGCTTCAGTAC[C>T]CTGACTATGGAGTCTGACAAATTCATCTGCATTAGAGAAAAAGTAGGAGAGCAGGCCCAG-3'
Protein context (NP_004850.1, residues 19-39): GINPANIGFS[Thr29=]LTMESDKFIC